The following is an entry in ClinVar:

NM_004646.4(NPHS1):c.2078del (p.Gly693fs)

Gene: NPHS1 (NPHS1 adhesion molecule, nephrin; minus strand). Cytogenetic location: 19q13.12.
Variant type: Deletion.
Coding change: c.2078del on transcript NM_004646.4 (MANE Select); coding-DNA position 2078, one base deleted (G; older notation c.2078delG).
Protein change: p.Gly693fs; shifts the reading frame from glycine 693.
Molecular consequence: frameshift variant.
Genome position (GRCh38, 1-based): chr19:35,844,237, C deleted on the plus strand (G on the coding strand, the reverse complement: NPHS1 is on the minus strand); the first of 2 consecutive C bases (chr19:35,844,237-35,844,238); deleting either gives the same sequence. VCF-style (leftmost placement, unchanged base first): chr19-35844236-GC-G. GRCh37 (hg19) VCF-style: chr19-36335138-GC-G.
Other names: c.2077delG, p.Gly693Alafs (NM_004646.3); short protein forms G693fs.
Identifiers: ClinVar variation 4059062 (VCV004059062.2).

ClinVar aggregate classification (germline): Likely pathogenic (1 of 4 stars; one submission).

Conditions:
Finnish congenital nephrotic syndrome (NPHS1). Also called: NEPHROTIC SYNDROME, TYPE 1. Identifiers: Orphanet 839, MedGen C0403399, MONDO:0009732, OMIM 256300.

Submission:

Natera, Inc.
Classification: Likely pathogenic for Finnish congenital nephrotic syndrome. Last evaluated: 2025-01-21. Review status: criteria provided, single submitter. Criteria: Natera Variant Classification Schema (03/2026). Collection method: clinical testing. Allele origin: germline.
Comment: The c.2078del variant in NPHS1 is a frameshift variant predicted to shift the reading frame beginning at codon 693 and leads to a stop codon 17 codons downstream. This variant is expected to result in nonsense mediated decay, truncation, or a dysfunctional protein product. This variant is rare in the general population with a frequency below the threshold expected for the associated phenotype(s). Given the available evidence, this variant is classified as Likely Pathogenic.